The following is an entry in ClinVar:

ClinVar aggregate classification (germline): Uncertain significance (1 of 4 stars; one submission).

Conditions:
Progressive sclerosing poliodystrophy (MTDPS4A). Also called: Mitochondrial DNA depletion syndrome 4A (Alpers type); ALPERS PROGRESSIVE INFANTILE POLIODYSTROPHY; NEURONAL DEGENERATION OF CHILDHOOD WITH LIVER DISEASE, PROGRESSIVE; Alpers Syndrome; ALPERS DIFFUSE DEGENERATION OF CEREBRAL GRAY MATTER WITH HEPATIC CIRRHOSIS; Alpers-Huttenlocher Syndrome. Identifiers: Orphanet 726, MedGen C0205710, MONDO:0008758, OMIM 203700.

Allele frequency attached by ClinVar (database versions not stated): TOPMed below 0.00001; ExAC 0.00001.

Submission:

Labcorp Genetics (formerly Invitae), Labcorp
Classification: Uncertain significance for Progressive sclerosing poliodystrophy. Last evaluated: 2023-05-01. Review status: criteria provided, single submitter. Criteria: Invitae Variant Classification Sherloc (09022015). Collection method: clinical testing. Allele origin: germline.
Comment: In summary, the available evidence is currently insufficient to determine the role of this variant in disease. Therefore, it has been classified as a Variant of Uncertain Significance. Algorithms developed to predict the effect of sequence changes on RNA splicing suggest that this variant may disrupt the consensus splice site. This variant has not been reported in the literature in individuals affected with POLG-related conditions. This variant is present in population databases (rs746952943, gnomAD 0.0009%). This sequence change affects codon 502 of the POLG mRNA. It is a 'silent' change, meaning that it does not change the encoded amino acid sequence of the POLG protein.

NM_002693.3(POLG):c.1506G>A (p.Lys502=)

Gene: POLG (DNA polymerase gamma, catalytic subunit; minus strand). Cytogenetic location: 15q26.1.
Variant type: single nucleotide variant.
Coding change: c.1506G>A on transcript NM_002693.3 (MANE Select); coding-DNA position 1506, G replaced by A.
Protein change: p.Lys502=; no amino-acid change (lysine 502 retained).
Molecular consequence: synonymous variant.
Genome position (GRCh38, 1-based): chr15:89,326,991, C>T on the plus strand (G>A on the coding strand, the complement: POLG is on the minus strand). VCF-style: chr15-89326991-C-T. GRCh37 (hg19) VCF-style: chr15-89870222-C-T.
Other names: c.1506G>A, p.Lys502= (NM_001126131.2).
Identifiers: ClinVar variation 2860877 (VCV002860877.3), dbSNP rs746952943, ClinGen allele CA7724819.
Genomic context (GRCh38, chr15:89,326,991, plus strand): 5'-ACCAGGGGCCCCAGCCCCCTCGATGGGCAACTTGCTGGCTGTGGCTGGTTCCTTCTTCAC[C>T]TTCTTAGCTTTCTTCTGCTTAAATTCTTGCAGGTCCCACTCCAGGTCCCAGAGCCAGGGG-3'
Protein context (NP_002684.1, residues 492-512): LQEFKQKKAK[Lys502=]VKKEPATASK